The following is an entry in ClinVar:

NM_032242.4(PLXNA1):c.1110G>A (p.Lys370=)

Gene: PLXNA1 (plexin A1; plus strand). Cytogenetic location: 3q21.3.
Variant type: single nucleotide variant.
Coding change: c.1110G>A on transcript NM_032242.4 (MANE Select); coding-DNA position 1110, G replaced by A.
Protein change: p.Lys370=; no amino-acid change (lysine 370 retained).
Molecular consequence: synonymous variant.
Genome position (GRCh38, 1-based): chr3:126,989,703, G>A. VCF-style: chr3-126989703-G-A. GRCh37 (hg19) VCF-style: chr3-126708546-G-A.
Identifiers: ClinVar variation 1546154 (VCV001546154.30), dbSNP rs577239634, ClinGen allele CA2593120.

ClinVar aggregate classification (germline): Likely benign. Review status: criteria provided, multiple submitters, no conflicts (2 of 4 stars). 2 submissions from 2 submitters: Likely benign (2). Last evaluated 2026-01-25.

Allele frequency attached by ClinVar (database versions not stated): ExAC 0.00003; gnomAD exomes 0.00006 and 0.00007; TOPMed 0.00008; gnomAD 0.00010 and 0.00011.
gnomAD v4.1: 113 of 1,613,002 alleles (0.007%); highest among the groups gnomAD compares: Non-Finnish European, 0.0092%; no homozygotes.

Submissions (2):

Labcorp Genetics (formerly Invitae), Labcorp
Classification: Likely benign. Last evaluated: 2026-01-25. Review status: criteria provided, single submitter. Criteria: Invitae Variant Classification Sherloc (09022015). Collection method: clinical testing. Allele origin: germline.

CeGaT Center for Human Genetics Tuebingen
Classification: Likely benign. Last evaluated: 2023-12-01. Review status: criteria provided, single submitter. Criteria: CeGaT Center For Human Genetics Tuebingen Variant Classification Criteria Version 2. Collection method: clinical testing. Allele origin: germline. Affected: yes. Observed: 1 variant allele.
Comment: PLXNA1: BP4